The following is an entry in ClinVar:

NM_005045.4(RELN):c.9840G>A (p.Glu3280=)

Genes: RELN (reelin; minus strand), SLC26A5-AS1 (SLC26A5 antisense RNA 1; plus strand). Cytogenetic location: 7q22.1.
Variant type: single nucleotide variant.
Coding change: c.9840G>A on transcript NM_005045.4 (MANE Select); coding-DNA position 9840, G replaced by A.
Protein change: p.Glu3280=; no amino-acid change (glutamic acid 3280 retained).
Molecular consequence: synonymous variant.
Genome position (GRCh38, 1-based): chr7:103,486,340, C>T on the plus strand (G>A on the coding strand, the complement: RELN is on the minus strand). VCF-style: chr7-103486340-C-T. GRCh37 (hg19) VCF-style: chr7-103126787-C-T.
Other names: c.9840G>A, p.Glu3280= (NM_173054.3).
Identifiers: ClinVar variation 4085328 (VCV004085328.8).

ClinVar aggregate classification (germline): Likely benign (1 of 4 stars; one submission).

gnomAD v4.1: 1 of 1,614,144 alleles (0.000062%); highest among the groups gnomAD compares: Non-Finnish European, 0.000085%; no homozygotes.

Submission:

CeGaT Center for Human Genetics Tuebingen
Classification: Likely benign. Last evaluated: 2025-10-01. Review status: criteria provided, single submitter. Criteria: CeGaT Center For Human Genetics Tuebingen Variant Classification Criteria Version 2. Collection method: clinical testing. Allele origin: germline. Affected: yes. Observed: 2 variant alleles.
Comment: RELN: BP4, BP7